The following is an entry in ClinVar:

NM_004994.3(MMP9):c.281T>C (p.Met94Thr)

Gene: MMP9 (matrix metallopeptidase 9; plus strand). Cytogenetic location: 20q13.12.
Variant type: single nucleotide variant.
Coding change: c.281T>C on transcript NM_004994.3 (MANE Select); coding-DNA position 281, T replaced by C.
Protein change: p.Met94Thr; replaces methionine 94 with threonine.
Molecular consequence: missense variant.
Genome position (GRCh38, 1-based): chr20:46,010,008, T>C. VCF-style: chr20-46010008-T-C. GRCh37 (hg19) VCF-style: chr20-44638647-T-C.
Other names: short protein forms M94T.
Identifiers: ClinVar variation 3693315 (VCV003693315.2).

ClinVar aggregate classification (germline): Uncertain significance (1 of 4 stars; one submission).

gnomAD v4.1: 1 of 1,551,656 alleles (0.000064%); highest among the groups gnomAD compares: Non-Finnish European, 0.000087%; no homozygotes.

Submission:

Labcorp Genetics (formerly Invitae), Labcorp
Classification: Uncertain significance. Last evaluated: 2024-09-30. Review status: criteria provided, single submitter. Criteria: Invitae Variant Classification Sherloc (09022015). Collection method: clinical testing. Allele origin: germline.
Comment: This sequence change replaces methionine, which is neutral and non-polar, with threonine, which is neutral and polar, at codon 94 of the MMP9 protein (p.Met94Thr). This variant is not present in population databases (gnomAD no frequency). This variant has not been reported in the literature in individuals affected with MMP9-related conditions. Invitae Evidence Modeling of protein sequence and biophysical properties (such as structural, functional, and spatial information, amino acid conservation, physicochemical variation, residue mobility, and thermodynamic stability) has been performed for this missense variant. However, the output from this modeling did not meet the statistical confidence thresholds required to predict the impact of this variant on MMP9 protein function. In summary, the available evidence is currently insufficient to determine the role of this variant in disease. Therefore, it has been classified as a Variant of Uncertain Significance.